The following is an entry in ClinVar:

NM_003480.4(MFAP5):c.194T>C (p.Ile65Thr)

Gene: MFAP5 (microfibril associated protein 5; minus strand). Cytogenetic location: 12p13.31.
Variant type: single nucleotide variant.
Coding change: c.194T>C on transcript NM_003480.4 (MANE Select); coding-DNA position 194, T replaced by C.
Protein change: p.Ile65Thr; replaces isoleucine 65 with threonine.
Molecular consequence: missense variant. On other transcripts: non-coding transcript variant (2), intron variant (1).
Genome position (GRCh38, 1-based): chr12:8,654,460, A>G on the plus strand (T>C on the coding strand, the complement: MFAP5 is on the minus strand). VCF-style: chr12-8654460-A-G. GRCh37 (hg19) VCF-style: chr12-8807056-A-G.
Other names: c.194T>C, p.Ile65Thr (NM_001297709.2, NM_001297712.2); c.158T>C, p.Ile53Thr (NM_001297710.2); c.172+955T>C (NM_001297711.2); short protein forms I65T, I53T.
Identifiers: ClinVar variation 4054238 (VCV004054238.1).

ClinVar aggregate classification (germline): Uncertain significance (1 of 4 stars; one submission).

Conditions:
Cardiovascular phenotype. Identifiers: MedGen CN230736.

Submission:

Ambry Genetics
Classification: Uncertain significance for Cardiovascular phenotype. Last evaluated: 2025-04-19. Review status: criteria provided, single submitter. Criteria: Ambry Variant Classification Scheme 2023. Collection method: clinical testing. Allele origin: germline.
Comment: The p.I65T variant (also known as c.194T>C), located in coding exon 5 of the MFAP5 gene, results from a T to C substitution at nucleotide position 194. The isoleucine at codon 65 is replaced by threonine, an amino acid with similar properties. This amino acid position is conserved. In addition, this alteration is predicted to be tolerated by in silico analysis. Based on the available evidence, the clinical significance of this variant remains unclear.